The following is an entry in ClinVar:

NM_003235.5(TG):c.3776C>T (p.Pro1259Leu)

Gene: TG (thyroglobulin; plus strand). Cytogenetic location: 8q24.22.
Variant type: single nucleotide variant.
Coding change: c.3776C>T on transcript NM_003235.5 (MANE Select); coding-DNA position 3776, C replaced by T.
Protein change: p.Pro1259Leu; replaces proline 1259 with leucine.
Molecular consequence: missense variant.
Genome position (GRCh38, 1-based): chr8:132,906,829, C>T. VCF-style: chr8-132906829-C-T. GRCh37 (hg19) VCF-style: chr8-133919074-C-T.
Other names: short protein forms P1259L.
Identifiers: ClinVar variation 361949 (VCV000361949.8), dbSNP rs183333809, ClinGen allele CA4883880.
Genomic context (GRCh38, chr8:132,906,829, plus strand): 5'-GCTCTGCCATGCAGCAGTGCCAATTGCTGTGCCGCCAGGGCTCCTGGAGCGTGTTTCCAC[C>T]AGGGCCATTGATATGTAGCCTGGAGAGCGGACGCTGGGAGTCACAGCTGCCTCAGCCCCG-3'
Protein context (NP_003226.4, residues 1249-1269): CRQGSWSVFP[Pro1259Leu]GPLICSLESG

ClinVar aggregate classification (germline): Uncertain significance. Review status: criteria provided, multiple submitters, no conflicts (2 of 4 stars). 4 submissions from 4 submitters: Uncertain significance (4). Last evaluated 2026-02-10.

Conditions:
Iodotyrosyl coupling defect (TDH3). Also called: HYPOTHYROIDISM, CONGENITAL, DUE TO DYSHORMONOGENESIS, 3; THYROID HORMONOGENESIS, GENETIC DEFECT IN, 3. Identifiers: Orphanet 95716, MedGen C0342194, MONDO:0010135, OMIM 274700.
Inborn genetic diseases. Identifiers: MedGen C0950123, MeSH D030342.
TG-related disorder. Also called: TG-related condition; TG-related disorders.

Allele frequency attached by ClinVar (database versions not stated): ESP Exome Variant Server 0.00008; gnomAD exomes 0.00011 and 0.00021; ExAC 0.00012; gnomAD 0.00013 and 0.00014; 1000 Genomes Project 30x 0.00016; TOPMed 0.00016; 1000 Genomes Project 0.00020.
gnomAD v4.1: 322 of 1,614,138 alleles (0.02%); highest among the groups gnomAD compares: Non-Finnish European, 0.025%; no homozygotes.

Submissions (4):

GeneDx
Classification: Uncertain significance. Last evaluated: 2026-02-10. Review status: criteria provided, single submitter. Criteria: GeneDx Variant Classification Process June 2021. Collection method: clinical testing. Allele origin: germline.
Comment: In silico analysis suggests that this missense variant does not alter protein structure/function; Has not been previously published as pathogenic or benign to our knowledge

PreventionGenetics, part of Exact Sciences
Classification: Uncertain significance for TG-related condition. Last evaluated: 2025-09-22. Review status: criteria provided, single submitter. Criteria: ACMG Guidelines, 2015. Collection method: clinical testing. Allele origin: germline.
Comment: The TG c.3776C>T variant is predicted to result in the amino acid substitution p.Pro1259Leu. To our knowledge, this variant has not been reported in the literature. This variant is reported in 0.019% of alleles in individuals of European (Non-Finnish) descent in gnomAD. At this time, the clinical significance of this variant is uncertain due to the absence of conclusive functional and genetic evidence.

Ambry Genetics
Classification: Uncertain significance for Inborn genetic diseases. Last evaluated: 2025-03-07. Review status: criteria provided, single submitter. Criteria: Ambry Variant Classification Scheme 2023. Collection method: clinical testing. Allele origin: germline.

Illumina Laboratory Services, Illumina
Classification: Uncertain significance for Iodotyrosyl coupling defect. Last evaluated: 2018-01-13. Review status: criteria provided, single submitter. Criteria: ICSL Variant Classification Criteria 13 December 2019. Collection method: clinical testing. Allele origin: germline.